The following is an entry in ClinVar:

NM_133444.3(ZNF526):c.1675G>A (p.Ala559Thr)

Gene: ZNF526 (zinc finger protein 526; plus strand). Cytogenetic location: 19q13.2.
Variant type: single nucleotide variant.
Coding change: c.1675G>A on transcript NM_133444.3 (MANE Select); coding-DNA position 1675, G replaced by A.
Protein change: p.Ala559Thr; replaces alanine 559 with threonine.
Molecular consequence: missense variant.
Genome position (GRCh38, 1-based): chr19:42,226,078, G>A. VCF-style: chr19-42226078-G-A. GRCh37 (hg19) VCF-style: chr19-42730230-G-A.
Other names: c.1675G>A, p.Ala559Thr (NM_001314033.3); short protein forms A559T.
Identifiers: ClinVar variation 437389 (VCV000437389.11), dbSNP rs200018551, ClinGen allele CA9470629.
Genomic context (GRCh38, chr19:42,226,078, plus strand): 5'-CAGAGCTCCAACCTGCAGCAGCACCGGCGGTTGCACTTGCGGCCAGTCGCCTTTGCCCGC[G>A]CCCCCCGCCTCCCCATCACTGGTCTCTACAACAAGAGTCCCTACTACTGCGGGACTTGTG-3'
Protein context (NP_597701.1, residues 549-569): LHLRPVAFAR[Ala559Thr]PRLPITGLYN

ClinVar aggregate classification (germline): Conflicting classifications of pathogenicity. Review status: criteria provided, conflicting classifications (1 of 4 stars). 3 submissions from 3 submitters: Uncertain significance (1); Likely benign (1). 1 of the submissions does not count toward it. Last evaluated 2018-05-12.

Conditions:
ZNF526-related disorder. Also called: ZNF526-related condition.

Allele frequency attached by ClinVar (database versions not stated): ESP Exome Variant Server 0.00008; gnomAD 0.00010; 1000 Genomes Project 0.00020; 1000 Genomes Project 30x 0.00031; TOPMed 0.00045; ExAC 0.00094; gnomAD exomes 0.00102.
gnomAD v4.1: 309 of 1,606,912 alleles (0.019%); highest among the groups gnomAD compares: Admixed American, 0.47%; no homozygotes.

Submissions (3):

Labcorp Genetics (formerly Invitae), Labcorp
Classification: Likely benign. Last evaluated: 2018-05-12. Review status: criteria provided, single submitter. Criteria: Invitae Variant Classification Sherloc (09022015). Collection method: clinical testing. Allele origin: germline.

Genetic Services Laboratory, University of Chicago
Classification: Uncertain significance. Last evaluated: 2017-02-23. Review status: criteria provided, single submitter. Criteria: ACMG Guidelines, 2015. Collection method: clinical testing. Allele origin: germline. Affected: no.

PreventionGenetics, part of Exact Sciences
Classification: Likely benign for ZNF526-related condition. Last evaluated: 2020-01-21. Review status: no assertion criteria provided. Collection method: clinical testing. Allele origin: germline. Not counted in ClinVar's aggregate classification.
Comment: This variant is classified as likely benign based on ACMG/AMP sequence variant interpretation guidelines (Richards et al. 2015 PMID: 25741868, with internal and published modifications).